The following is an entry in ClinVar:

NM_000256.3(MYBPC3):c.2353G>A (p.Glu785Lys)

Gene: MYBPC3 (myosin binding protein C3; minus strand). Cytogenetic location: 11p11.2.
Variant type: single nucleotide variant.
Coding change: c.2353G>A on transcript NM_000256.3 (MANE Select); coding-DNA position 2353, G replaced by A.
Protein change: p.Glu785Lys; replaces glutamic acid 785 with lysine.
Molecular consequence: missense variant.
Genome position (GRCh38, 1-based): chr11:47,337,750, C>T on the plus strand (G>A on the coding strand, the complement: MYBPC3 is on the minus strand). VCF-style: chr11-47337750-C-T. GRCh37 (hg19) VCF-style: chr11-47359301-C-T.
Other names: short protein forms E785K.
Identifiers: ClinVar variation 3648456 (VCV003648456.3).

ClinVar aggregate classification (germline): Uncertain significance. Review status: criteria provided, multiple submitters, no conflicts (2 of 4 stars). 2 submissions from 2 submitters: Uncertain significance (2). Last evaluated 2025-08-23.

Conditions:
Hypertrophic cardiomyopathy. Also called: HYPERTROPHIC MYOCARDIOPATHY. Identifiers: Orphanet 217569, MedGen C0007194, MeSH D002312, MONDO:0005045, HP:0001639.
Cardiovascular phenotype. Identifiers: MedGen CN230736.

Submissions (2):

Ambry Genetics
Classification: Uncertain significance for Cardiovascular phenotype. Last evaluated: 2025-08-23. Review status: criteria provided, single submitter. Criteria: Ambry Variant Classification Scheme 2023. Collection method: clinical testing. Allele origin: germline.

Labcorp Genetics (formerly Invitae), Labcorp
Classification: Uncertain significance for Hypertrophic cardiomyopathy. Last evaluated: 2024-04-02. Review status: criteria provided, single submitter. Criteria: Invitae Variant Classification Sherloc (09022015). Collection method: clinical testing. Allele origin: germline.
Comment: This sequence change replaces glutamic acid, which is acidic and polar, with lysine, which is basic and polar, at codon 785 of the MYBPC3 protein (p.Glu785Lys). This variant is not present in population databases (gnomAD no frequency). This variant has not been reported in the literature in individuals affected with MYBPC3-related conditions. An algorithm developed to predict the effect of missense changes on protein structure and function (PolyPhen-2) suggests that this variant is likely to be disruptive. In summary, the available evidence is currently insufficient to determine the role of this variant in disease. Therefore, it has been classified as a Variant of Uncertain Significance.